The following is an entry in ClinVar:

NM_020631.6(PLEKHG5):c.601C>T (p.Arg201Cys)

Gene: PLEKHG5 (pleckstrin homology and RhoGEF domain containing G5; minus strand). Cytogenetic location: 1p36.31.
Variant type: single nucleotide variant.
Coding change: c.601C>T on transcript NM_020631.6 (MANE Select); coding-DNA position 601, C replaced by T.
Protein change: p.Arg201Cys; replaces arginine 201 with cysteine.
Molecular consequence: missense variant.
Genome position (GRCh38, 1-based): chr1:6,473,445, G>A on the plus strand (C>T on the coding strand, the complement: PLEKHG5 is on the minus strand). VCF-style: chr1-6473445-G-A. GRCh37 (hg19) VCF-style: chr1-6533505-G-A.
Other names: c.712C>T, p.Arg238Cys (NM_001042663.3, NM_001265592.2); c.601C>T, p.Arg201Cys (NM_001042664.2, NM_001042665.2, NM_001265594.3 and 1 more transcripts); c.808C>T, p.Arg270Cys (NM_001265593.2); short protein forms R201C, R238C, R270C.
Identifiers: ClinVar variation 1380022 (VCV001380022.6), dbSNP rs561283132, ClinGen allele CA17242435.

ClinVar aggregate classification (germline): Uncertain significance. Review status: criteria provided, multiple submitters, no conflicts (2 of 4 stars). 2 submissions from 2 submitters: Uncertain significance (2). Last evaluated 2025-10-06.

Conditions:
Inborn genetic diseases. Identifiers: MedGen C0950123, MeSH D030342.
Charcot-Marie-Tooth disease recessive intermediate C. Also called: CHARCOT-MARIE-TOOTH NEUROPATHY, RECESSIVE INTERMEDIATE C. Identifiers: Orphanet 369867, MedGen C3809309, MONDO:0014154, OMIM 615376.
Neuronopathy, distal hereditary motor, autosomal recessive 4. Also called: NEUROPATHY, DISTAL HEREDITARY MOTOR, AUTOSOMAL RECESSIVE 4; Autosomal recessive lower motor neuron disease with childhood onset. Identifiers: Orphanet 206580, MedGen C1970211, MONDO:0012608, OMIM 611067.

Allele frequency attached by ClinVar (database versions not stated): gnomAD 0.00001; TOPMed 0.00001; 1000 Genomes Project 30x 0.00016; 1000 Genomes Project 0.00020.
gnomAD v4.1: 8 of 1,530,978 alleles (0.00052%); highest among the groups gnomAD compares: African/African-American, 0.0014%; no homozygotes.

Submissions (2):

Ambry Genetics
Classification: Uncertain significance for Inborn genetic diseases. Last evaluated: 2025-10-06. Review status: criteria provided, single submitter. Criteria: Ambry Variant Classification Scheme 2023. Collection method: clinical testing. Allele origin: germline.

Labcorp Genetics (formerly Invitae), Labcorp
Classification: Uncertain significance for Neuronopathy, distal hereditary motor, autosomal recessive 4; Charcot-Marie-Tooth disease recessive intermediate C. Last evaluated: 2022-10-24. Review status: criteria provided, single submitter. Criteria: Invitae Variant Classification Sherloc (09022015). Collection method: clinical testing. Allele origin: germline.
Comment: This sequence change replaces arginine, which is basic and polar, with cysteine, which is neutral and slightly polar, at codon 201 of the PLEKHG5 protein (p.Arg201Cys). This variant is not present in population databases (gnomAD no frequency). This variant has not been reported in the literature in individuals affected with PLEKHG5-related conditions. ClinVar contains an entry for this variant (Variation ID: 1380022). Algorithms developed to predict the effect of missense changes on protein structure and function are either unavailable or do not agree on the potential impact of this missense change (SIFT: "Deleterious"; PolyPhen-2: "Probably Damaging"; Align-GVGD: "Class C0"). In summary, the available evidence is currently insufficient to determine the role of this variant in disease. Therefore, it has been classified as a Variant of Uncertain Significance.